The following is an entry in ClinVar:

NM_007294.4(BRCA1):c.5249A>C (p.Lys1750Thr)

Gene: BRCA1 (BRCA1 DNA repair associated; minus strand). Cytogenetic location: 17q21.31.
Variant type: single nucleotide variant.
Coding change: c.5249A>C on transcript NM_007294.4 (MANE Select); coding-DNA position 5249, A replaced by C.
Protein change: p.Lys1750Thr; replaces lysine 1750 with threonine.
Molecular consequence: missense variant. On other transcripts: non-coding transcript variant (1).
Genome position (GRCh38, 1-based): chr17:43,057,080, T>G on the plus strand (A>C on the coding strand, the complement: BRCA1 is on the minus strand). VCF-style: chr17-43057080-T-G. GRCh37 (hg19) VCF-style: chr17-41209097-T-G.
Other names: c.5036A>C, p.Lys1679Thr (NM_001407571.1, NM_001407900.1, NM_001407902.1 and 12 more transcripts); c.5315A>C, p.Lys1772Thr (NM_001407581.1, NM_001407582.1); c.5312A>C, p.Lys1771Thr (NM_001407583.1, NM_001407585.1, NM_001407587.1 and 1 more transcripts); c.5246A>C, p.Lys1749Thr (NM_001407610.1, NM_001407611.1, NM_001407612.1 and 17 more transcripts); c.5243A>C, p.Lys1748Thr (NM_001407629.1, NM_001407630.1, NM_001407631.1 and 14 more transcripts); c.5189A>C, p.Lys1730Thr (NM_001407649.1); c.5171A>C, p.Lys1724Thr (NM_001407652.1, NM_001407653.1, NM_001407654.1 and 1 more transcripts); c.5168A>C, p.Lys1723Thr (NM_001407656.1, NM_001407657.1, NM_001407658.1); and 72 more; short protein forms K1771T, K1750T, K646T, K1703T, K1637T, K1639T, K1660T, K1661T.
Identifiers: ClinVar variation 867276 (VCV000867276.3), dbSNP rs2051506626, ClinGen allele CA10591050.

Conditions:
Breast-ovarian cancer, familial, susceptibility to, 1 (BROVCA1). Also called: BRCA1 Hereditary Breast and Ovarian Cancer; OVARIAN CANCER, SUSCEPTIBILITY TO. Identifiers: Orphanet 145, MedGen C2676676, MONDO:0011450, OMIM 604370. Disease mechanism: loss of function.

Submission:

Brotman Baty Institute, University of Washington
No classification provided (evidence only). Condition: Breast-ovarian cancer, familial 1. Review status: no classification provided. Collection method: in vitro. Allele origin: not applicable. Functional consequence: functionally_normal.
ClinVar note: "not provided" was previously submitted as the classification for the variant. However, the classification appeared to be based only on an observation of functional data so it was converted to no classification on 2025-07-30.